The following is an entry in ClinVar:

NM_003263.4(TLR1):c.130T>C (p.Ser44Pro)

Gene: TLR1 (toll like receptor 1; minus strand). Cytogenetic location: 4p14.
Variant type: single nucleotide variant.
Coding change: c.130T>C on transcript NM_003263.4 (MANE Select); coding-DNA position 130, T replaced by C.
Protein change: p.Ser44Pro; replaces serine 44 with proline.
Molecular consequence: missense variant.
Genome position (GRCh38, 1-based): chr4:38,798,702, A>G on the plus strand (T>C on the coding strand, the complement: TLR1 is on the minus strand). VCF-style: chr4-38798702-A-G. GRCh37 (hg19) VCF-style: chr4-38800323-A-G.
Other names: short protein forms S44P.
Identifiers: ClinVar variation 779877 (VCV000779877.6), dbSNP rs76600635, ClinGen allele CA2889600.

ClinVar aggregate classification (germline): Benign. Review status: criteria provided, multiple submitters, no conflicts (2 of 4 stars). 3 submissions from 3 submitters: Benign (2). 1 of the submissions does not count toward it. Last evaluated 2018-05-15.

Conditions:
TLR1-related disorder. Also called: TLR1-related condition.

Allele frequency attached by ClinVar (database versions not stated): ESP Exome Variant Server 0.00038; gnomAD 0.00276 and 0.00401; ExAC 0.00787; 1000 Genomes Project 30x 0.01796; gnomAD exomes 0.00821 and 0.00250; 1000 Genomes Project 0.01997; TOPMed 0.00451.
gnomAD v4.1: 4,548 of 1,613,952 alleles (0.28%); highest among the groups gnomAD compares: East Asian, 8%; 151 homozygotes.

Submissions (3):

Labcorp Genetics (formerly Invitae), Labcorp
Classification: Benign. Last evaluated: 2018-05-15. Review status: criteria provided, single submitter. Criteria: Invitae Variant Classification Sherloc (09022015). Collection method: clinical testing. Allele origin: germline.

Breakthrough Genomics
Classification: Benign. Review status: criteria provided, single submitter. Criteria: ACMG Guidelines, 2015. Collection method: not provided. Allele origin: germline. Inheritance: Unknown mechanism. Affected: yes.

PreventionGenetics, part of Exact Sciences
Classification: Benign for TLR1-related condition. Last evaluated: 2019-08-16. Review status: no assertion criteria provided. Collection method: clinical testing. Allele origin: germline. Not counted in ClinVar's aggregate classification.
Comment: This variant is classified as benign based on ACMG/AMP sequence variant interpretation guidelines (Richards et al. 2015 PMID: 25741868, with internal and published modifications).